The following is an entry in ClinVar:

NM_000282.4(PCCA):c.828T>C (p.Gly276=)

Gene: PCCA (propionyl-CoA carboxylase subunit alpha; plus strand). Cytogenetic location: 13q32.3.
Variant type: single nucleotide variant.
Coding change: c.828T>C on transcript NM_000282.4 (MANE Select); coding-DNA position 828, T replaced by C.
Protein change: p.Gly276=; no amino-acid change (glycine 276 retained).
Molecular consequence: synonymous variant. On other transcripts: 5 prime UTR variant (3), non-coding transcript variant (5).
Genome position (GRCh38, 1-based): chr13:100,268,697, T>C. VCF-style: chr13-100268697-T-C. GRCh37 (hg19) VCF-style: chr13-100920951-T-C.
Other names: p.Gly276=; c.750T>C, p.Gly250= (NM_001127692.3, NM_001352607.2, NM_001352608.2); c.828T>C, p.Gly276= (NM_001178004.2, NM_001352605.2, NM_001352606.2 and 1 more transcripts); c.-118T>C (NM_001352610.2, NM_001352611.2, NM_001352612.2).
Identifiers: ClinVar variation 385588 (VCV000385588.42), dbSNP rs143838146, ClinGen allele CA7033415.

ClinVar aggregate classification (germline): Conflicting classifications of pathogenicity. Review status: criteria provided, conflicting classifications (1 of 4 stars). 7 submissions from 7 submitters: Uncertain significance (1); Benign (1); Likely benign (4). 1 of the submissions does not count toward it. Last evaluated 2026-02-02.

Conditions:
Propionic acidemia (PROP). Also called: GLYCINEMIA, KETOTIC; HYPERGLYCINEMIA WITH KETOACIDOSIS AND LEUKOPENIA; KETOTIC HYPERGLYCINEMIA. Identifiers: Orphanet 35, MedGen C0268579, MONDO:0011628, OMIM 606054, HP:0003571.
PCCA-related disorder. Also called: PCCA-related condition.

Allele frequency attached by ClinVar (database versions not stated): gnomAD exomes 0.00013 and 0.00047; ExAC 0.00057; gnomAD 0.00137 and 0.00143; ESP Exome Variant Server 0.00161; TOPMed 0.00165; 1000 Genomes Project 0.00260; 1000 Genomes Project 30x 0.00265.
gnomAD v4.1: 415 of 1,612,074 alleles (0.026%); highest among the groups gnomAD compares: African/African-American, 0.44%; 1 homozygote.

Submissions (7):

Labcorp Genetics (formerly Invitae), Labcorp
Classification: Benign for Propionic acidemia. Last evaluated: 2026-02-02. Review status: criteria provided, single submitter. Criteria: Invitae Variant Classification Sherloc (09022015). Collection method: clinical testing. Allele origin: germline.

Mayo Clinic Laboratories, Mayo Clinic
Classification: Likely benign. Last evaluated: 2025-03-25. Review status: criteria provided, single submitter. Criteria: ACMG Guidelines, 2015. Collection method: clinical testing. Allele origin: germline. Observed: 4 variant alleles.
Comment: BS1, BP4, BP7

Blueprint Genetics
Classification: Likely benign. Last evaluated: 2024-11-22. Review status: criteria provided, single submitter. Criteria: ACMG Guidelines, 2015. Collection method: clinical testing. Allele origin: germline.

CeGaT Center for Human Genetics Tuebingen
Classification: Likely benign. Last evaluated: 2024-04-01. Review status: criteria provided, single submitter. Criteria: CeGaT Center For Human Genetics Tuebingen Variant Classification Criteria Version 2. Collection method: clinical testing. Allele origin: germline. Affected: yes. Observed: 1 variant allele.
Comment: PCCA: BP4, BP7

GeneDx
Classification: Likely benign. Last evaluated: 2021-02-24. Review status: criteria provided, single submitter. Criteria: GeneDx Variant Classification Process June 2021. Collection method: clinical testing. Allele origin: germline. Affected: yes.

Illumina Laboratory Services, Illumina
Classification: Uncertain significance for Propionic acidemia. Last evaluated: 2018-01-13. Review status: criteria provided, single submitter. Criteria: ICSL Variant Classification Criteria 13 December 2019. Collection method: clinical testing. Allele origin: germline.

PreventionGenetics, part of Exact Sciences
Classification: Likely benign for PCCA-related condition. Last evaluated: 2020-10-14. Review status: no assertion criteria provided. Collection method: clinical testing. Allele origin: germline. Not counted in ClinVar's aggregate classification.
Comment: This variant is classified as likely benign based on ACMG/AMP sequence variant interpretation guidelines (Richards et al. 2015 PMID: 25741868, with internal and published modifications).